The following is an entry in ClinVar:

NM_176787.5(PIGN):c.2588T>C (p.Ile863Thr)

Gene: PIGN (phosphatidylinositol glycan anchor biosynthesis class N; minus strand). Cytogenetic location: 18q21.33.
Variant type: single nucleotide variant.
Coding change: c.2588T>C on transcript NM_176787.5 (MANE Select); coding-DNA position 2588, T replaced by C.
Protein change: p.Ile863Thr; replaces isoleucine 863 with threonine.
Molecular consequence: missense variant.
Genome position (GRCh38, 1-based): chr18:62,074,810, A>G on the plus strand (T>C on the coding strand, the complement: PIGN is on the minus strand). VCF-style: chr18-62074810-A-G. GRCh37 (hg19) VCF-style: chr18-59742043-A-G.
Other names: c.2588T>C, p.Ile863Thr (NM_012327.6); short protein forms I863T.
Identifiers: ClinVar variation 1793454 (VCV001793454.2), dbSNP rs1343444045, ClinGen allele CA402723604.

ClinVar aggregate classification (germline): Uncertain significance (1 of 4 stars; one submission).

Conditions:
Inborn genetic diseases. Identifiers: MedGen C0950123, MeSH D030342.

Allele frequency attached by ClinVar (database versions not stated): TOPMed below 0.00001; gnomAD 0.00001.
gnomAD v4.1: 1 of 1,605,742 alleles (0.000062%); highest among the groups gnomAD compares: African/African-American, 0.0013%; no homozygotes.

Submission:

Ambry Genetics
Classification: Uncertain significance for Inborn genetic diseases. Last evaluated: 2019-12-03. Review status: criteria provided, single submitter. Criteria: Ambry Variant Classification Scheme 2023. Collection method: clinical testing. Allele origin: germline.
Comment: The p.I863T variant (also known as c.2588T>C), located in coding exon 26 of the PIGN gene, results from a T to C substitution at nucleotide position 2588. The isoleucine at codon 863 is replaced by threonine, an amino acid with similar properties. This amino acid position is poorly conserved in available vertebrate species. In addition, this alteration is predicted to be tolerated by in silico analysis. Since supporting evidence is limited at this time, the clinical significance of this alteration remains unclear.